The following is an entry in ClinVar:

ClinVar aggregate classification (germline): Uncertain significance. Review status: criteria provided, multiple submitters, no conflicts (2 of 4 stars). 5 submissions from 5 submitters: Uncertain significance (5). Last evaluated 2025-10-18.

Conditions:
Hereditary cancer-predisposing syndrome. Also called: Hereditary Cancer Syndrome; Neoplastic Syndromes, Hereditary; Hereditary neoplastic syndrome; Tumor predisposition. Identifiers: Orphanet 140162, MedGen C0027672, MeSH D009386, MONDO:0015356.
Hereditary breast ovarian cancer syndrome. Also called: Hereditary breast and ovarian cancer syndrome (HBOC); Breast and ovarian cancer; Hereditary breast and ovarian cancer syndrome; Hereditary breast and ovarian cancer; BRCA1- and BRCA2-Associated Hereditary Breast and Ovarian Cancer; Hereditary breast and/or ovarian cancer syndrome. Identifiers: Orphanet 145, MedGen C0677776, MeSH D061325, MONDO:0003582. Disease mechanism: loss of function.
Breast-ovarian cancer, familial, susceptibility to, 1 (BROVCA1). Also called: BRCA1 Hereditary Breast and Ovarian Cancer; OVARIAN CANCER, SUSCEPTIBILITY TO. Identifiers: Orphanet 145, MedGen C2676676, MONDO:0011450, OMIM 604370. Disease mechanism: loss of function.

Allele frequency attached by ClinVar (database versions not stated): gnomAD exomes 0.00001.
gnomAD v4.1: 3 of 1,613,582 alleles (0.00019%); highest among the groups gnomAD compares: Admixed American, 0.005%; no homozygotes.

Submissions (5):

Labcorp Genetics (formerly Invitae), Labcorp
Classification: Uncertain significance for Hereditary breast ovarian cancer syndrome. Last evaluated: 2025-10-18. Review status: criteria provided, single submitter. Criteria: Invitae Variant Classification Sherloc (09022015). Collection method: clinical testing. Allele origin: germline.
Comment: This sequence change falls in intron 13 of the BRCA1 gene. It does not directly change the encoded amino acid sequence of the BRCA1 protein. It affects a nucleotide within the consensus splice site. This variant is present in population databases (no rsID available, gnomAD 0.006%). This variant has not been reported in the literature in individuals affected with BRCA1-related conditions. ClinVar contains an entry for this variant (Variation ID: 252403). Variants that disrupt the consensus splice site are a relatively common cause of aberrant splicing (PMID: 17576681, 9536098). Algorithms developed to predict the effect of sequence changes on RNA splicing suggest that this variant is not likely to affect RNA splicing. In summary, the available evidence is currently insufficient to determine the role of this variant in disease. Therefore, it has been classified as a Variant of Uncertain Significance.

GeneDx
Classification: Uncertain significance. Last evaluated: 2023-05-24. Review status: criteria provided, single submitter. Criteria: GeneDx Variant Classification Process June 2021. Collection method: clinical testing. Allele origin: germline. Affected: yes.
Comment: Not observed at significant frequency in large population cohorts (gnomAD); In silico analysis supports that this variant does not alter splicing; Has not been previously published as pathogenic or benign to our knowledge; Also known as IVS14+6A>C; This variant is associated with the following publications: (PMID: 26295337)

Color Diagnostics, LLC DBA Color Health
Classification: Uncertain significance for Hereditary cancer-predisposing syndrome. Last evaluated: 2019-07-03. Review status: criteria provided, single submitter. Criteria: ACMG Guidelines, 2015. Collection method: clinical testing. Allele origin: germline.
Comment: This variant is located in intron 13 of the BRCA1 gene. To our knowledge, functional assays have not been performed for this variant nor has this variant been reported in individuals affected with hereditary cancer in the literature. This variant has been identified in 3/251158 chromosomes in the general population by the Genome Aggregation Database (gnomAD). Available evidence is insufficient to determine the role of this variant in disease conclusively. Therefore, this variant is classified as a Variant of Uncertain Significance.

Women's Health and Genetics/Laboratory Corporation of America, LabCorp
Classification: Uncertain significance. Last evaluated: 2017-10-09. Review status: criteria provided, single submitter. Criteria: LabCorp Variant Classification Summary - May 2015. Collection method: clinical testing. Allele origin: germline.
Comment: Variant summary: The BRCA1 c.4484+6A>C variant involves the alteration of a non-conserved intronic nucleotide. One in silico tool predicts a damaging outcome for this variant. 5/5 splice prediction tools predict no significant impact on normal splicing. However, these predictions have yet to be confirmed by functional studies. This variant was found in 2/245932 control chromosomes at a frequency of 0.0000081, which does not exceed the estimated maximal expected allele frequency of a pathogenic BRCA1 variant (0.0010005). The variant of interest has not, to our knowledge, been reported in affected individuals via publications nor evaluated for functional impact by in vivo/vitro studies. In addition, one clinical diagnostic laboratory classified this variant as uncertain significance. Because of the absence of clinical information and the lack of functional studies, the variant is classified as a variant of uncertain significance (VUS) until additional information becomes available.

Quest Diagnostics Nichols Institute San Juan Capistrano
Classification: Uncertain significance for Breast-ovarian cancer, familial, susceptibility to, 1. Last evaluated: 2016-06-11. Review status: criteria provided, single submitter. Criteria: Quest Diagnostics criteria. Collection method: clinical testing. Allele origin: germline. Inheritance: Autosomal dominant inheritance.

Literature cited by the submitters: PubMed 17576681 (cited by Labcorp Genetics (formerly Invitae), Labcorp); PubMed 9536098 (cited by Labcorp Genetics (formerly Invitae), Labcorp); PubMed 26295337 (cited by Quest Diagnostics Nichols Institute San Juan Capistrano).

NM_007294.4(BRCA1):c.4484+6A>C

Gene: BRCA1 (BRCA1 DNA repair associated; minus strand). Cytogenetic location: 17q21.31.
Variant type: single nucleotide variant.
Coding change: c.4484+6A>C on transcript NM_007294.4 (MANE Select); 6 bases into the intron after coding-DNA position 4484, A replaced by C.
Molecular consequence: intron variant.
Genome position (GRCh38, 1-based): chr17:43,076,482, T>G on the plus strand (A>C on the coding strand, the complement: BRCA1 is on the minus strand). VCF-style: chr17-43076482-T-G. GRCh37 (hg19) VCF-style: chr17-41228499-T-G.
Other names: c.1241+6A>C (NM_001407971.1, NM_001407970.1); c.1166+6A>C (NM_001408406.1, NM_001408408.1, NM_001408407.1); c.4478+6A>C (NM_001407641.1, NM_001407629.1, NM_001407636.1 and 14 more transcripts); c.4481+6A>C (NM_001407624.1, NM_001407858.1, NM_001407616.1 and 17 more transcripts); c.4547+6A>C (NM_007300.4, NM_001407583.1, NM_001407587.1 and 1 more transcripts); c.4550+6A>C (NM_001407581.1, NM_001407582.1); c.3977+6A>C (NM_001407965.1); c.4217+6A>C (NM_001407930.1, NM_001407933.1, NM_001407927.1 and 4 more transcripts); and 71 more.
Identifiers: ClinVar variation 252403 (VCV000252403.18), dbSNP rs879255297, ClinGen allele CA10585912.